The following is an entry in ClinVar:

NM_015443.4(KANSL1):c.1248A>G (p.Glu416=)

Gene: KANSL1 (KAT8 regulatory NSL complex subunit 1). Cytogenetic location: 17q21.31.
Variant type: single nucleotide variant.
Coding change: c.1248A>G on transcript NM_015443.4 (MANE Select); coding-DNA position 1248, A replaced by G.
Protein change: p.Glu416=; no amino-acid change (glutamic acid 416 retained).
Molecular consequence: synonymous variant.
Genome position (GRCh38, 1-based): chr17:46,170,896, T>C on the plus strand (A>G on the coding strand, the complement: KANSL1 is on the minus strand). VCF-style: chr17-46170896-T-C. GRCh37 (hg19) VCF-style: chr17-44248262-T-C.
Other names: c.1248A>G, p.Glu416= (NM_001193465.2, NM_001193466.2, NM_001379198.1).
Identifiers: ClinVar variation 381949 (VCV000381949.1), dbSNP rs1057521219, ClinGen allele CA16608495.

ClinVar aggregate classification (germline): Likely benign (1 of 4 stars; one submission).

Submission:

GeneDx
Classification: Likely benign. Last evaluated: 2015-11-27. Review status: criteria provided, single submitter. Criteria: GeneDx Variant Classification (06012015). Collection method: clinical testing. Allele origin: germline. Affected: yes.
Comment: This variant is considered likely benign or benign based on one or more of the following criteria: it is a conservative change, it occurs at a poorly conserved position in the protein, it is predicted to be benign by multiple in silico algorithms, and/or has population frequency not consistent with disease.